The following is an entry in ClinVar:

ClinVar aggregate classification (germline): Uncertain significance (1 of 4 stars; one submission).

Conditions:
Dilated cardiomyopathy 1AA (CMD1AA). Also called: CARDIOMYOPATHY, DILATED, 1AA, WITH OR WITHOUT LEFT VENTRICULAR NONCOMPACTION; CARDIOMYOPATHY, FAMILIAL HYPERTROPHIC, 23, WITH OR WITHOUT LEFT VENTRICULAR NONCOMPACTION; Cardiomyopathy, dilated, 1AA, with or without LVNC. Identifiers: Orphanet 154, MedGen C2677338, MONDO:0012808, OMIM 612158.
Primary familial hypertrophic cardiomyopathy (HCM). Identifiers: Orphanet 99739, MedGen C0949658, MeSH D024741, MONDO:0024573. Inheritance: Various modes of inheritance.

Submission:

Labcorp Genetics (formerly Invitae), Labcorp
Classification: Uncertain significance for Primary familial hypertrophic cardiomyopathy; Dilated cardiomyopathy 1AA. Last evaluated: 2022-12-16. Review status: criteria provided, single submitter. Criteria: Invitae Variant Classification Sherloc (09022015). Collection method: clinical testing. Allele origin: germline.
Comment: This sequence change replaces asparagine, which is neutral and polar, with lysine, which is basic and polar, at codon 99 of the ACTN2 protein (p.Asn99Lys). This variant is not present in population databases (gnomAD no frequency). This variant has not been reported in the literature in individuals affected with ACTN2-related conditions. Advanced modeling of protein sequence and biophysical properties (such as structural, functional, and spatial information, amino acid conservation, physicochemical variation, residue mobility, and thermodynamic stability) performed at Invitae indicates that this missense variant is expected to disrupt ACTN2 protein function. In summary, the available evidence is currently insufficient to determine the role of this variant in disease. Therefore, it has been classified as a Variant of Uncertain Significance.

NM_001103.4(ACTN2):c.297T>G (p.Asn99Lys)

Gene: ACTN2 (actinin alpha 2; plus strand). Cytogenetic location: 1q43.
Variant type: single nucleotide variant.
Coding change: c.297T>G on transcript NM_001103.4 (MANE Select); coding-DNA position 297, T replaced by G.
Protein change: p.Asn99Lys; replaces asparagine 99 with lysine.
Molecular consequence: missense variant. On other transcripts: non-coding transcript variant (1).
Genome position (GRCh38, 1-based): chr1:236,718,949, T>G. VCF-style: chr1-236718949-T-G. GRCh37 (hg19) VCF-style: chr1-236882249-T-G.
Other names: c.297T>G, p.Asn99Lys (NM_001278343.2); c.-525T>G (NM_001278344.2); c.-650T>G (NM_001412150.1); short protein forms N99K.
Identifiers: ClinVar variation 2942385 (VCV002942385.3), dbSNP rs1658301560, ClinGen allele CA345373565.